The following is an entry in ClinVar:

NM_001844.5(COL2A1):c.1068G>A (p.Pro356=)

Gene: COL2A1 (collagen type II alpha 1 chain; minus strand). Cytogenetic location: 12q13.11.
Variant type: single nucleotide variant.
Coding change: c.1068G>A on transcript NM_001844.5 (MANE Select); coding-DNA position 1068, G replaced by A.
Protein change: p.Pro356=; no amino-acid change (proline 356 retained).
Molecular consequence: synonymous variant.
Genome position (GRCh38, 1-based): chr12:47,989,761, C>T on the plus strand (G>A on the coding strand, the complement: COL2A1 is on the minus strand). VCF-style: chr12-47989761-C-T. GRCh37 (hg19) VCF-style: chr12-48383544-C-T.
Other names: c.861G>A, p.Pro287= (NM_033150.3).
Identifiers: ClinVar variation 281546 (VCV000281546.22), dbSNP rs147202936, ClinGen allele CA6535628.

ClinVar aggregate classification (germline): Conflicting classifications of pathogenicity. Review status: criteria provided, conflicting classifications (1 of 4 stars). 6 submissions from 6 submitters: Uncertain significance (1); Likely benign (4). 1 of the submissions does not count toward it. Last evaluated 2026-09-01.

Conditions:
COL2A1-related disorder. Also called: COL2A1-related condition; COL2A1-related disorders.

Allele frequency attached by ClinVar (database versions not stated): gnomAD exomes 0.00008 and 0.00019; ExAC 0.00022; ESP Exome Variant Server 0.00054; gnomAD 0.00077 and 0.00079; 1000 Genomes Project 0.00080; TOPMed 0.00083; 1000 Genomes Project 30x 0.00125.
gnomAD v4.1: 229 of 1,613,392 alleles (0.014%); highest among the groups gnomAD compares: African/African-American, 0.25%; 1 homozygote.

Submissions (6):

CeGaT Center for Human Genetics Tuebingen
Classification: Likely benign. Last evaluated: 2026-09-01. Review status: criteria provided, single submitter. Criteria: CeGaT Center For Human Genetics Tuebingen Variant Classification Criteria Version 2. Collection method: clinical testing. Allele origin: germline. Affected: yes. Observed: 1 variant allele.
Comment: COL2A1: BP4, BP7, BS1

Labcorp Genetics (formerly Invitae), Labcorp
Classification: Likely benign. Last evaluated: 2025-12-29. Review status: criteria provided, single submitter. Criteria: Invitae Variant Classification Sherloc (09022015). Collection method: clinical testing. Allele origin: germline.

Blueprint Genetics
Classification: Likely benign. Last evaluated: 2024-09-04. Review status: criteria provided, single submitter. Criteria: ACMG Guidelines, 2015. Collection method: clinical testing. Allele origin: germline.

GeneDx
Classification: Likely benign. Last evaluated: 2020-09-08. Review status: criteria provided, single submitter. Criteria: GeneDx Variant Classification Process June 2021. Collection method: clinical testing. Allele origin: germline. Affected: yes.

Eurofins Ntd Llc (ga)
Classification: Uncertain significance. Last evaluated: 2015-06-29. Review status: criteria provided, single submitter. Criteria: EGL Classification Definitions 2015. Collection method: clinical testing. Allele origin: germline. Observed: 1 variant allele, 1 heterozygote.

PreventionGenetics, part of Exact Sciences
Classification: Likely benign for COL2A1-related condition. Last evaluated: 2019-08-01. Review status: no assertion criteria provided. Collection method: clinical testing. Allele origin: germline. Not counted in ClinVar's aggregate classification.
Comment: This variant is classified as likely benign based on ACMG/AMP sequence variant interpretation guidelines (Richards et al. 2015 PMID: 25741868, with internal and published modifications).